The following is an entry in ClinVar:

ClinVar aggregate classification (germline): Likely pathogenic (1 of 4 stars; one submission).

Conditions:
LZTR1-related schwannomatosis. Also called: Schwannomatosis 2; Schwannomatosis-2, susceptibility to. Identifiers: Orphanet 93921, MedGen C3810283, MONDO:0014299, OMIM 615670.

Submission:

Juno Genomics, Hangzhou Juno Genomics, Inc
Classification: Likely pathogenic for LZTR1-related schwannomatosis. Review status: criteria provided, single submitter. Criteria: ACMG Guidelines, 2015. Collection method: clinical testing. Allele origin: germline.
Comment: Absent from controls (or at extremely low frequency if recessive) in Genome Aggregation Database.;Null variant in a gene where loss of function (LOF) is a known mechanism of disease.

NM_006767.4(LZTR1):c.212del (p.His71fs)

Gene: LZTR1 (leucine zipper like post translational regulator 1; plus strand). Cytogenetic location: 22q11.21.
Variant type: Deletion.
Coding change: c.212del on transcript NM_006767.4 (MANE Select); coding-DNA position 212, one base deleted (A; older notation c.212delA).
Protein change: p.His71fs; shifts the reading frame from histidine 71.
Molecular consequence: frameshift variant.
Genome position (GRCh38, 1-based): chr22:20,983,038, A deleted. VCF-style (leftmost placement, unchanged base first): chr22-20983037-CA-C. GRCh37 (hg19) VCF-style: chr22-21337326-CA-C.
Other names: short protein forms H71fs.
Identifiers: ClinVar variation 3382372 (VCV003382372.3).